The following continues an entry in ClinVar:

NM_000152.5(GAA):c.2297A>G (p.Tyr766Cys)

Gene: GAA. ClinVar aggregate classification (germline): Pathogenic. Pathogenic (1).

Submissions 8 to 16 of 16:

Natera, Inc.
Classification: Pathogenic for Glycogen storage disease type II. Last evaluated: 2025-01-19. Review status: criteria provided, single submitter. Criteria: Natera Variant Classification Schema (03/2026). Collection method: clinical testing. Allele origin: germline. Not counted in ClinVar's aggregate classification.
Comment: The c.2297A>G variant in GAA is a missense variant predicted to cause substitution of tyrosine to cysteine at amino acid 766. This variant is rare in the general population with a frequency below the threshold expected for the associated phenotype(s). This variant has been observed in one or more individuals affected with the associated recessive disease, as either homozygous or compound heterozygous with a second variant (PMID: 33301762, 29124014, 22676651, 35071497, 37087815, 30564623). A different variant at the same position has been determined to be Pathogenic or Likely Pathogenic. Computational prediction algorithms indicate this variant is likely to affect gene or protein function. Given the available evidence, this variant is classified as Pathogenic.

Mayo Clinic Laboratories, Mayo Clinic
Classification: Pathogenic. Last evaluated: 2025-01-02. Review status: criteria provided, single submitter. Criteria: ACMG Guidelines, 2015. Collection method: clinical testing. Allele origin: germline. Observed: 2 variant alleles. Not counted in ClinVar's aggregate classification.
Comment: PP3, PP4_moderate, PM2_supporting, PM3_strong, PM5

GeneDx
Classification: Likely pathogenic. Last evaluated: 2024-05-20. Review status: criteria provided, single submitter. Criteria: GeneDx Variant Classification Process June 2021. Collection method: clinical testing. Allele origin: germline. Affected: yes. Not counted in ClinVar's aggregate classification.
Comment: Not observed at significant frequency in large population cohorts (gnomAD); In silico analysis supports that this missense variant has a deleterious effect on protein structure/function; This variant is associated with the following publications: (PMID: 33301762, 22676651, 30564623, 29124014, 33073003, 22538254, 35071497, 21605996, 37087815)

Fulgent Genetics
Classification: Pathogenic for Glycogen storage disease, type II. Last evaluated: 2024-02-06. Review status: criteria provided, single submitter. Criteria: ACMG Guidelines, 2015. Collection method: clinical testing. Allele origin: germline. Not counted in ClinVar's aggregate classification.

Baylor Genetics
Classification: Pathogenic for Glycogen storage disease, type II. Last evaluated: 2024-02-01. Review status: criteria provided, single submitter. Criteria: ACMG Guidelines, 2015. Collection method: clinical testing. Allele origin: unknown. Not counted in ClinVar's aggregate classification.

Institute of Human Genetics Munich, TUM University Hospital
Classification: Pathogenic for Glycogen storage disease, type II. Last evaluated: 2023-11-02. Review status: criteria provided, single submitter. Criteria: Classification criteria August 2017. Collection method: clinical testing. Allele origin: paternal. Inheritance: Autosomal recessive inheritance. Affected: yes. Observed: 1 variant allele. Not counted in ClinVar's aggregate classification.

Genome-Nilou Lab
Classification: Likely pathogenic for Glycogen storage disease, type II. Last evaluated: 2021-07-22. Review status: criteria provided, single submitter. Criteria: ACMG Guidelines, 2015. Collection method: clinical testing. Allele origin: germline. Affected: no. Not counted in ClinVar's aggregate classification.

Broad Center for Mendelian Genomics, Broad Institute of MIT and Harvard
Classification: Likely pathogenic for Glycogen storage disease, type II. Last evaluated: 2020-01-22. Review status: criteria provided, single submitter. Criteria: ACMG Guidelines, 2015. Collection method: curation. Allele origin: germline. Inheritance: Autosomal recessive inheritance. Not counted in ClinVar's aggregate classification.
Comment: The p.Tyr766Cys variant in GAA has been reported in at least two individuals with glycogen storage disease II (PMID: 22676651, 21605996, 29124014) and has been identified in 0.007% (2/30610) of South Asian chromosomes and 0.004% (5/128266) of European (non-Finnish) chromosomes by the Genome Aggregation Database (gnomAD; dbSNP rs144016984). Although this variant has been seen in the general population, its frequency is low enough to be consistent with a recessive carrier frequency. This variant has also been reported in ClinVar (VariationID: 285197) as a VUS by EGL Genetics Diagnostics. One additional likely pathogenic variant, resulting in a different amino acid change at the same position, p.Tyr766Ser, has been reported in association with disease in ClinVar, slightly supporting that a change at this position may not be tolerated (Variation ID: 420102). The phenotype of individuals heterozygous for this variant is highly specific for glycogen storage disease II based on GAA enzyme activity being <10% of wild type, consistent with disease (PMID: 22676651, 21605996, 29124014). Computational prediction tools and conservation analyses suggest that this variant may impact the protein, though this information is not predictive enough to determine pathogenicity. Additionally, the presence of this variant in combination with reported likely pathogenic variants c.1561G>A (VariationID: 4022; PMID: 22676651, 21605996) and p.Arg437Cys (VariationID:189082, PMID: 29124014) and in individuals with glycogen storage disease II increases the likelihood that the p.Tyr766Cys variant is pathogenic. In summary, although additional studies are required to fully establish its clinical significance, this variant is likely pathogenic. ACMG/AMP Criteria applied: PM2, PP3, PM5_supporting, PP4, PM3_supporting (Richards 2015).

Eurofins Ntd Llc (ga)
Classification: Uncertain significance. Last evaluated: 2016-01-04. Review status: criteria provided, single submitter. Criteria: EGL Classification Definitions 2015. Collection method: clinical testing. Allele origin: germline. Observed: 1 variant allele, 1 heterozygote. Not counted in ClinVar's aggregate classification.

Literature cited by the submitters: PubMed 37087815 (cited by 3 submitters); PubMed 35071497 (cited by 5 submitters); PubMed 33073003 (cited by 3 submitters); PubMed 29124014 (cited by 7 submitters); PubMed 22676651 (cited by 5 submitters); PubMed 30564623 (cited by 5 submitters); PubMed 21605996 (cited by 5 submitters); PubMed 26693141 (cited by Variantyx, Inc.); PubMed 21637107 (cited by Variantyx, Inc.); PubMed 22521436 (cited by Variantyx, Inc.); PubMed 38186848 (cited by Variantyx, Inc. and Mayo Clinic Laboratories, Mayo Clinic); PubMed 33301762 (cited by 3 submitters); PubMed 22538254 (cited by 3 submitters); PubMed 28394184 (cited by Labcorp Genetics (formerly Invitae), Labcorp and Mayo Clinic Laboratories, Mayo Clinic).